The following is an entry in ClinVar:

NM_000352.6(ABCC8):c.4372dup (p.Gln1458fs)

Gene: ABCC8 (ATP binding cassette subfamily C member 8; minus strand). Cytogenetic location: 11p15.1.
Variant type: Duplication.
Coding change: c.4372dup on transcript NM_000352.6 (MANE Select); coding-DNA position 4372, one base duplicated (C; older notation c.4372dupC).
Protein change: p.Gln1458fs; shifts the reading frame from glutamine 1458.
Molecular consequence: frameshift variant. On other transcripts: non-coding transcript variant (1).
Genome position (GRCh38, 1-based): chr11:17,395,211, G duplicated on the plus strand (C on the coding strand, the reverse complement: ABCC8 is on the minus strand); the first of 3 consecutive G bases (chr11:17,395,211-17,395,213); duplicating any one gives the same sequence. VCF-style (leftmost placement, unchanged base first): chr11-17395210-T-TG. GRCh37 (hg19) VCF-style: chr11-17416757-T-TG.
Other names: c.4375dup, p.Gln1459fs (NM_001287174.3); c.4438dup, p.Gln1480fs (NM_001351295.2); c.4372dup, p.Gln1458fs (NM_001351296.2); c.4369dup, p.Gln1457fs (NM_001351297.2); short protein forms Q1457fs, Q1458fs, Q1459fs, Q1480fs.
Identifiers: ClinVar variation 5012264 (VCV005012264.1).
Genomic context (GRCh38, chr11:17,395,210, plus strand): 5'-CTGCATAGCCAGGAGTAGTTACCGAGGCCTCCTGGCAGTGCCTTCACCACCAGCTTCAGC[T>TG]GGGCGATTTCCAGGGCCTCCCACAGTGTGCTATCTGAGCACTTCCTCTCAGGGTCCAGGT-3'

ClinVar aggregate classification (germline): Pathogenic (1 of 4 stars; one submission).

Conditions:
Hyperinsulinemic hypoglycemia, familial, 1 (HHF1). Also called: HYPERINSULINISM, FAMILIAL, WITH PANCREATIC NESIDIOBLASTOSIS; HYPOGLYCEMIA, HYPERINSULINEMIC, OF INFANCY; NESIDIOBLASTOSIS OF PANCREAS; Persistent Hyperinsulinemia Hypoglycemia of Infancy; Persistent hyperinsulinemic hypoglycemia of infancy. Identifiers: Orphanet 276575, Orphanet 276598, MedGen C2931832, MONDO:0009734, OMIM 256450.

Submission:

Myriad Genetics, Inc.
Classification: Pathogenic for Hyperinsulinemic hypoglycemia, familial, 1. Last evaluated: 2023-09-27. Review status: criteria provided, single submitter. Criteria: Myriad Autosomal Dominant, Autosomal Recessive and X-Linked Classification Criteria (2023). Collection method: clinical testing. Allele origin: unknown.
Comment: NM_000352.3(ABCC8):c.4372dupC(Q1458Pfs*55) is expected to be pathogenic in the context of familial hyperinsulinism, ABCC8-related. This variant is predicted to lead to an abnormal or absent protein product due to the creation of a premature termination codon in ABCC8, a gene where loss-of-function variants are known to be pathogenic. Please note: this variant was assessed in the context of healthy population screening.